The following is an entry in ClinVar:

ClinVar aggregate classification (germline): Uncertain significance. Review status: criteria provided, multiple submitters, no conflicts (2 of 4 stars). 2 submissions from 2 submitters: Uncertain significance (2). Last evaluated 2023-10-10.

Conditions:
Brody myopathy. Also called: BRODY DISEASE. Identifiers: Orphanet 53347, MedGen C1832918, MONDO:0010977, OMIM 601003.

Allele frequency attached by ClinVar (database versions not stated): gnomAD 0.00001 and 0.00003; ExAC 0.00002; TOPMed 0.00002; gnomAD exomes 0.00003; ESP Exome Variant Server 0.00008.
gnomAD v4.1: 39 of 1,614,092 alleles (0.0024%); highest among the groups gnomAD compares: South Asian, 0.02%; no homozygotes.

Submissions (2):

Revvity Omics, Revvity
Classification: Uncertain significance for Brody myopathy. Last evaluated: 2023-10-10. Review status: criteria provided, single submitter. Criteria: ACMG Guidelines, 2015. Collection method: clinical testing. Allele origin: germline.

Labcorp Genetics (formerly Invitae), Labcorp
Classification: Uncertain significance for Brody myopathy. Last evaluated: 2022-08-23. Review status: criteria provided, single submitter. Criteria: Invitae Variant Classification Sherloc (09022015). Collection method: clinical testing. Allele origin: germline.
Comment: This sequence change replaces arginine, which is basic and polar, with tryptophan, which is neutral and slightly polar, at codon 534 of the ATP2A1 protein (p.Arg534Trp). This variant is present in population databases (rs376651574, gnomAD 0.01%). This variant has not been reported in the literature in individuals affected with ATP2A1-related conditions. ClinVar contains an entry for this variant (Variation ID: 1436855). Algorithms developed to predict the effect of missense changes on protein structure and function are either unavailable or do not agree on the potential impact of this missense change (SIFT: "Deleterious"; PolyPhen-2: "Probably Damaging"; Align-GVGD: "Class C0"). In summary, the available evidence is currently insufficient to determine the role of this variant in disease. Therefore, it has been classified as a Variant of Uncertain Significance.

NM_004320.6(ATP2A1):c.1600C>T (p.Arg534Trp)

Gene: ATP2A1 (ATPase sarcoplasmic/endoplasmic reticulum Ca2+ transporting 1; plus strand). Cytogenetic location: 16p11.2.
Variant type: single nucleotide variant.
Coding change: c.1600C>T on transcript NM_004320.6 (MANE Select); coding-DNA position 1600, C replaced by T.
Protein change: p.Arg534Trp; replaces arginine 534 with tryptophan.
Molecular consequence: missense variant.
Genome position (GRCh38, 1-based): chr16:28,898,287, C>T. VCF-style: chr16-28898287-C-T. GRCh37 (hg19) VCF-style: chr16-28909608-C-T.
Other names: c.1225C>T, p.Arg409Trp (NM_001286075.2); c.1600C>T, p.Arg534Trp (NM_173201.5); c.1600C>T (NM_173201.4); short protein forms R409W, R534W.
Identifiers: ClinVar variation 1436855 (VCV001436855.9), dbSNP rs376651574, ClinGen allele CA7987032.